The following is an entry in ClinVar:

ClinVar aggregate classification (germline): Likely benign (1 of 4 stars; one submission).

Allele frequency attached by ClinVar (database versions not stated): gnomAD exomes below 0.00001.
gnomAD v4.1: 2 of 1,600,862 alleles (0.00012%); highest among the groups gnomAD compares: Admixed American, 0.0017%; no homozygotes.

Submission:

GeneDx
Classification: Likely benign. Last evaluated: 2017-07-06. Review status: criteria provided, single submitter. Criteria: GeneDx Variant Classification (06012015). Collection method: clinical testing. Allele origin: germline. Affected: yes.
Comment: This variant is considered likely benign or benign based on one or more of the following criteria: it is a conservative change, it occurs at a poorly conserved position in the protein, it is predicted to be benign by multiple in silico algorithms, and/or has population frequency not consistent with disease.

NM_001267550.2(TTN):c.88912G>A (p.Gly29638Ser)

Genes: TTN (titin; minus strand), TTN-AS1 (TTN antisense RNA 1; plus strand). Cytogenetic location: 2q31.2.
Variant type: single nucleotide variant.
Coding change: c.88912G>A on transcript NM_001267550.2 (MANE Select); coding-DNA position 88912, G replaced by A.
Protein change: p.Gly29638Ser; replaces glycine 29638 with serine.
Molecular consequence: missense variant.
Genome position (GRCh38, 1-based): chr2:178,554,199, C>T on the plus strand (G>A on the coding strand, the complement: TTN is on the minus strand). VCF-style: chr2-178554199-C-T. GRCh37 (hg19) VCF-style: chr2-179418926-C-T.
Other names: c.83989G>A, p.Gly27997Ser (NM_001256850.1); c.61717G>A, p.Gly20573Ser (NM_003319.4); c.81208G>A, p.Gly27070Ser (NM_133378.4); c.62092G>A, p.Gly20698Ser (NM_133432.3); c.62293G>A, p.Gly20765Ser (NM_133437.4); short protein forms G27997S, G29638S, G20698S, G27070S, G20573S, G20765S.
Identifiers: ClinVar variation 510769 (VCV000510769.1), dbSNP rs1328502977, ClinGen allele CA349522268.